The following is an entry in ClinVar:

NM_000038.6(APC):c.7862C>G (p.Ser2621Cys)

Gene: APC (APC regulator of Wnt signaling pathway; plus strand). Cytogenetic location: 5q22.2.
Variant type: single nucleotide variant.
Coding change: c.7862C>G on transcript NM_000038.6 (MANE Select); coding-DNA position 7862, C replaced by G.
Protein change: p.Ser2621Cys; replaces serine 2621 with cysteine.
Molecular consequence: missense variant.
Genome position (GRCh38, 1-based): chr5:112,843,456, C>G. VCF-style: chr5-112843456-C-G. GRCh37 (hg19) VCF-style: chr5-112179153-C-G.
Other names: NM_000038.6(APC):c.7862C>G; c.7862C>G, p.Ser2621Cys (LRG_130t1, NM_001127510.3, NM_001354895.2); c.7808C>G, p.Ser2603Cys (NM_001127511.3); c.7916C>G, p.Ser2639Cys (NM_001354896.2); c.7892C>G, p.Ser2631Cys (NM_001354897.2); c.7787C>G, p.Ser2596Cys (NM_001354898.2); c.7778C>G, p.Ser2593Cys (NM_001354899.2); c.7739C>G, p.Ser2580Cys (NM_001354900.2); and 6 more; short protein forms S2621C, S2603C, S2495C, S2530C, S2639C, S2580C, S2593C, S2596C.
Identifiers: ClinVar variation 41516 (VCV000041516.97), dbSNP rs72541816, ClinGen allele CA014123.

ClinVar aggregate classification (germline): Benign. Review status: reviewed by expert panel (3 of 4 stars). 26 submissions from 26 submitters: Benign (1). 25 of the submissions do not count toward it. Last evaluated 2023-02-26.

Conditions:
APC-Associated Polyposis Disorders.
Hereditary cancer-predisposing syndrome. Also called: Neoplastic Syndromes, Hereditary; Tumor predisposition; Hereditary Cancer Syndrome; Hereditary neoplastic syndrome. Identifiers: Orphanet 140162, MedGen C0027672, MeSH D009386, MONDO:0015356.
Familial adenomatous polyposis 1 (FAP1). Also called: POLYPOSIS, ADENOMATOUS INTESTINAL; FAMILIAL ADENOMATOUS POLYPOSIS 1, ATTENUATED. Identifiers: MedGen C2713442, MONDO:0021056, OMIM 175100. Disease mechanism: loss of function.
Carcinoma of colon (CRC). Also called: Colon carcinoma; Colonic carcinoma. Identifiers: MedGen C0699790, MONDO:0002032.

Allele frequency attached by ClinVar (database versions not stated): 1000 Genomes Project 0.00180; ESP Exome Variant Server 0.00331; gnomAD exomes 0.00291 and 0.00481; gnomAD 0.00335 and 0.00358; 1000 Genomes Project 30x 0.00172; ExAC 0.00314; TOPMed 0.00320.
gnomAD v4.1: 7,476 of 1,613,800 alleles (0.46%); highest among the groups gnomAD compares: Non-Finnish European, 0.57%; 25 homozygotes.

Submissions (26):

ClinGen InSiGHT Hereditary Colorectal Cancer/Polyposis Variant Curation Expert Panel
Classification: Benign for Familial adenomatous polyposis 1. Last evaluated: 2023-02-26. Review status: reviewed by expert panel. Criteria: ClinGen InSiGHT HCCP VCEP ACMG Specifications APC V1. Collection method: curation. Allele origin: germline. Inheritance: Autosomal dominant inheritance.
Comment: The c.7862C>G variant in APC is a missense variant predicted to cause the substitution of Serine by Cysteine at amino acid position 2621 (p.Ser2621Cys). This variant has been observed in more than 10 heterozygous individuals over the age of 50 with no features of FAP, worth more than 10 healthy individual points (BS2; Ambry internal data). APC is defined by the ClinGen APC VCEP as a gene for which primarily truncating variants are known to cause disease (BP1). The highest population minor allele frequency in the non-cancer cohort of gnomAD v2.1.1 is 0.5021% in the non-Finnish European population, which is higher than the ClinGen APC VCEP threshold of 0.1% for BA1, and therefore meets this criterion (BA1). In summary, this variant meets the criteria to be classified as Benign for FAP based on the ACMG/AMP criteria applied, as specified by the ClinGen InSiGHT Hereditary Colorectal Cancer/Polyposis Variant Curation Expert Panel: BA1, BS2, and BP1 (VCEP specifications version 1; date of approval: 12/12/2022).

CeGaT Center for Human Genetics Tuebingen
Classification: Benign. Last evaluated: 2026-09-01. Review status: criteria provided, single submitter. Criteria: CeGaT Center For Human Genetics Tuebingen Variant Classification Criteria Version 2. Collection method: clinical testing. Allele origin: germline. Affected: yes. Observed: 67 variant alleles. Not counted in ClinVar's aggregate classification.
Comment: APC: BP4, BS1, BS2

Labcorp Genetics (formerly Invitae), Labcorp
Classification: Benign for Familial adenomatous polyposis 1. Last evaluated: 2026-02-03. Review status: criteria provided, single submitter. Criteria: Invitae Variant Classification Sherloc (09022015). Collection method: clinical testing. Allele origin: germline. Not counted in ClinVar's aggregate classification.

ARUP Laboratories, Molecular Genetics and Genomics, ARUP Laboratories
Classification: Benign. Last evaluated: 2025-03-11. Review status: criteria provided, single submitter. Criteria: ARUP Molecular Germline Variant Investigation Process 2024. Collection method: clinical testing. Allele origin: germline. Not counted in ClinVar's aggregate classification.

Center for Genomic Medicine, Rigshospitalet, Copenhagen University Hospital
Classification: Benign. Last evaluated: 2025-03-04. Review status: criteria provided, single submitter. Criteria: ACMG Guidelines, 2015. Collection method: clinical testing. Allele origin: germline. Not counted in ClinVar's aggregate classification.

Blueprint Genetics
Classification: Likely benign. Last evaluated: 2024-11-25. Review status: criteria provided, single submitter. Criteria: ACMG Guidelines, 2015. Collection method: clinical testing. Allele origin: germline. Not counted in ClinVar's aggregate classification.

Myriad Genetics, Inc.
Classification: Benign for Familial adenomatous polyposis 1. Last evaluated: 2024-04-11. Review status: criteria provided, single submitter. Criteria: Myriad Autosomal Dominant, Autosomal Recessive and X-Linked Classification Criteria (2023). Collection method: clinical testing. Allele origin: unknown. Not counted in ClinVar's aggregate classification.
Comment: This variant is considered benign. This variant has been observed at a population frequency that is significantly greater than expected given the associated disease prevalence and penetrance.

KCCC/NGS Laboratory, Kuwait Cancer Control Center
Classification: Benign for Familial adenomatous polyposis 1. Last evaluated: 2023-07-07. Review status: criteria provided, single submitter. Criteria: ACMG Guidelines, 2015. Collection method: clinical testing. Allele origin: germline. Affected: yes. Not counted in ClinVar's aggregate classification.

Institute for Biomarker Research, Medical Diagnostic Laboratories, L.L.C.
Classification: Benign for Hereditary cancer-predisposing syndrome. Last evaluated: 2022-08-04. Review status: criteria provided, single submitter. Criteria: ACMG Guidelines, 2015. Collection method: clinical testing. Allele origin: germline. Not counted in ClinVar's aggregate classification.

Institute for Clinical Genetics, University Hospital TU Dresden, University Hospital TU Dresden
Classification: Benign. Last evaluated: 2021-11-03. Review status: criteria provided, single submitter. Criteria: ACMG Guidelines, 2015. Collection method: clinical testing. Allele origin: germline. Not counted in ClinVar's aggregate classification.

Sema4
Classification: Benign for Hereditary cancer-predisposing syndrome. Last evaluated: 2020-05-10. Review status: criteria provided, single submitter. Criteria: Sema4 Curation Guidelines. Collection method: curation. Allele origin: germline. Not counted in ClinVar's aggregate classification.

Genetic Services Laboratory, University of Chicago
Classification: Benign. Last evaluated: 2019-10-16. Review status: criteria provided, single submitter. Criteria: ACMG Guidelines, 2015. Collection method: clinical testing. Allele origin: germline. Affected: no. Not counted in ClinVar's aggregate classification.

Mendelics
Classification: Likely benign for Familial adenomatous polyposis 1. Last evaluated: 2019-05-28. Review status: criteria provided, single submitter. Criteria: Mendelics Assertion Criteria 2017. Collection method: clinical testing. Allele origin: unknown. Not counted in ClinVar's aggregate classification.

Illumina Laboratory Services, Illumina
Classification: Benign for APC-Associated Polyposis Disorders. Last evaluated: 2018-03-06. Review status: criteria provided, single submitter. Criteria: ICSL Variant Classification Criteria 13 December 2019. Collection method: clinical testing. Allele origin: germline. Not counted in ClinVar's aggregate classification.
Comment: This variant was observed in the ICSL laboratory as part of a predisposition screen in an ostensibly healthy population. It had not been previously curated by ICSL or reported in the Human Gene Mutation Database (HGMD: prior to June 1st, 2018), and was therefore a candidate for classification through an automated scoring system. Utilizing variant allele frequency, disease prevalence and penetrance estimates, and inheritance mode, an automated score was calculated to assess if this variant is too frequent to cause the disease. Based on the score and internal cut-off values, a variant classified as benign is not then subjected to further curation. The score for this variant resulted in a classification of benign for this disease.

Center for Pediatric Genomic Medicine, Children's Mercy Hospital and Clinics
Classification: Likely benign. Last evaluated: 2017-01-24. Review status: criteria provided, single submitter. Criteria: ACMG Guidelines, 2015. Collection method: clinical testing. Allele origin: germline. Not counted in ClinVar's aggregate classification.
ClinVar note: Converted during submission from Likely Benign to Likely benign.

Color Diagnostics, LLC DBA Color Health
Classification: Benign for Hereditary cancer-predisposing syndrome. Last evaluated: 2016-03-21. Review status: criteria provided, single submitter. Criteria: ACMG Guidelines, 2015. Collection method: clinical testing. Allele origin: germline. Not counted in ClinVar's aggregate classification.

GeneDx
Classification: Benign. Last evaluated: 2015-03-03. Review status: criteria provided, single submitter. Criteria: GeneDx Variant Classification Process June 2021. Collection method: clinical testing. Allele origin: germline. Affected: yes. Not counted in ClinVar's aggregate classification.
Comment: This variant is associated with the following publications: (PMID: 24728327, 27153395, 1316610, 24082139, 21859464, 24599579, 25260786, 22703879)

Ambry Genetics
Classification: Benign for Hereditary cancer-predisposing syndrome. Last evaluated: 2014-11-28. Review status: criteria provided, single submitter. Criteria: Ambry Variant Classification Scheme 2023. Collection method: clinical testing. Allele origin: germline. Not counted in ClinVar's aggregate classification.

Eurofins Ntd Llc (ga)
Classification: Benign. Last evaluated: 2013-09-30. Review status: criteria provided, single submitter. Criteria: EGL Classification Definitions 2015. Collection method: clinical testing. Allele origin: germline. Observed: 1 variant allele, 1 heterozygote. Not counted in ClinVar's aggregate classification.

Breakthrough Genomics
Classification: Likely benign. Review status: criteria provided, single submitter. Criteria: ACMG Guidelines, 2015. Collection method: not provided. Allele origin: germline. Inheritance: Autosomal dominant inheritance. Affected: yes. Not counted in ClinVar's aggregate classification.

PreventionGenetics, part of Exact Sciences
Classification: Benign. Review status: criteria provided, single submitter. Criteria: ACMG Guidelines, 2015. Collection method: clinical testing. Allele origin: germline. Not counted in ClinVar's aggregate classification.

True Health Diagnostics
Classification: Likely benign for Hereditary cancer-predisposing syndrome. Last evaluated: 2018-04-25. Review status: no assertion criteria provided. Collection method: clinical testing. Allele origin: germline. Not counted in ClinVar's aggregate classification.

ITMI
No classification provided. Condition: AllHighlyPenetrant. Last evaluated: 2013-09-19. Review status: no classification provided. Collection method: reference population. Allele origin: germline. Not counted in ClinVar's aggregate classification.
Comment: Please see associated publication for description of ethnicities

Biesecker Lab/Clinical Genomics Section, National Institutes of Health
Classification: Benign. Last evaluated: 2012-07-13. Review status: no assertion criteria provided. Collection method: research. Allele origin: germline. Affected: no. Observed: 6 variant alleles. Study: ClinSeq. Not counted in ClinVar's aggregate classification.
ClinVar note: Converted during submission from no known pathogenicity to Benign.

Department of Pathology and Laboratory Medicine, Sinai Health System
Classification: Benign for Carcinoma of colon. Review status: no assertion criteria provided. Collection method: clinical testing. Allele origin: unknown. Affected: yes. Study: The Canadian Open Genetics Repository (COGR). Not counted in ClinVar's aggregate classification.
Comment: The p.Ser2621Cys variant has been previously reported in the literature. From selected publications it was identified in 7 if 2428 case chromosomes (frequency: 0.0028) and 21 of 3670 control chromosomes (frequency: 0.0057), increasing the likelihood this is a benign polymorphism (Miyoshi_1992_1316610, Scott_2004_2839999, Ruiz-Ponte_2001_11668620, Azzopardi_2008_18199528, Lefevre_2012_22875147). In addition, it is reported with a frequency of 126/2172 control chromosomes from the 1000 genomes project and at a frequency of 0.005 in the European gohort ESP project database (dbSNPiD: rs72541816). Furthermore, 2 studies demonstrated non-segregation (Scott_2004_2839999, Ruiz-Ponte_2001_11668620) and the frequency of this variant was reported as higher in controls vs cases in two studies (Cancer Res-2008-Azzopardi-358-63_18199528, Lefevre_2012_jhg201299a_22875147), increasing the likelihood that this variant is benign. This variant is conserved in mammals but not lower organisms although it appears to not be located in an important functional domain, the creation of cystein residues, having a higher propensity for generating disulphide bonds, could in theory impact the protein. Computational analysis using several programs (SIFT, AlignGVGD, Polyphen-2, BLOSUM), do not agree on the imapact this variant change may have, and this information is not very predictive of pathogenicity. Based on the above information, this variant is classified as benign.

Mayo Clinic Laboratories, Mayo Clinic
Classification: Benign. Review status: no assertion criteria provided. Collection method: clinical testing. Allele origin: unknown. Not counted in ClinVar's aggregate classification.

Literature cited by the submitters: PubMed 24728327 (cited by ITMI).